The following is an entry in ClinVar:

NM_182977.3(NNT):c.2059+9T>C

Gene: NNT (nicotinamide nucleotide transhydrogenase; plus strand). Cytogenetic location: 5p12.
Variant type: single nucleotide variant.
Coding change: c.2059+9T>C on transcript NM_182977.3 (MANE Select); 9 bases into the intron after coding-DNA position 2059, T replaced by C.
Molecular consequence: intron variant.
Genome position (GRCh38, 1-based): chr5:43,653,222, T>C. VCF-style: chr5-43653222-T-C. GRCh37 (hg19) VCF-style: chr5-43653324-T-C.
Other names: c.2059+9T>C (NM_012343.4); c.1666+9T>C (NM_001331026.2).
Identifiers: ClinVar variation 1629833 (VCV001629833.26), dbSNP rs376823185, ClinGen allele CA3258139.

ClinVar aggregate classification (germline): Likely benign. Review status: criteria provided, multiple submitters, no conflicts (2 of 4 stars). 3 submissions from 3 submitters: Likely benign (3). Last evaluated 2026-01-12.

Allele frequency attached by ClinVar (database versions not stated): TOPMed 0.00050; ESP Exome Variant Server 0.00054; ExAC 0.00065; gnomAD exomes 0.00069 and 0.00079; gnomAD 0.00073 and 0.00076.
gnomAD v4.1: 1,239 of 1,606,190 alleles (0.077%); highest among the groups gnomAD compares: Non-Finnish European, 0.094%; 2 homozygotes.

Submissions (3):

Labcorp Genetics (formerly Invitae), Labcorp
Classification: Likely benign. Last evaluated: 2026-01-12. Review status: criteria provided, single submitter. Criteria: Invitae Variant Classification Sherloc (09022015). Collection method: clinical testing. Allele origin: germline.

Blueprint Genetics
Classification: Likely benign. Last evaluated: 2024-11-25. Review status: criteria provided, single submitter. Criteria: ACMG Guidelines, 2015. Collection method: clinical testing. Allele origin: germline.

CeGaT Center for Human Genetics Tuebingen
Classification: Likely benign. Last evaluated: 2024-08-01. Review status: criteria provided, single submitter. Criteria: CeGaT Center For Human Genetics Tuebingen Variant Classification Criteria Version 2. Collection method: clinical testing. Allele origin: germline. Affected: yes. Observed: 1 variant allele.
Comment: NNT: BP4, BP7